The following is an entry in ClinVar:

ClinVar aggregate classification (germline): Uncertain significance (1 of 4 stars; one submission).

Conditions:
Hereditary breast ovarian cancer syndrome. Also called: Hereditary breast and ovarian cancer syndrome; Hereditary breast and ovarian cancer syndrome (HBOC); Hereditary breast and/or ovarian cancer syndrome; Hereditary breast and ovarian cancer; Breast and ovarian cancer; BRCA1- and BRCA2-Associated Hereditary Breast and Ovarian Cancer. Identifiers: Orphanet 145, MedGen C0677776, MeSH D061325, MONDO:0003582. Disease mechanism: loss of function.

Submission:

Labcorp Genetics (formerly Invitae), Labcorp
Classification: Uncertain significance for Hereditary breast ovarian cancer syndrome. Last evaluated: 2023-08-16. Review status: criteria provided, single submitter. Criteria: Invitae Variant Classification Sherloc (09022015). Collection method: clinical testing. Allele origin: germline.
Comment: This variant has not been reported in the literature in individuals affected with BRCA2-related conditions. This sequence change replaces serine, which is neutral and polar, with cysteine, which is neutral and slightly polar, at codon 445 of the BRCA2 protein (p.Ser445Cys). This variant is not present in population databases (gnomAD no frequency). Advanced modeling of protein sequence and biophysical properties (such as structural, functional, and spatial information, amino acid conservation, physicochemical variation, residue mobility, and thermodynamic stability) performed at Invitae indicates that this missense variant is not expected to disrupt BRCA2 protein function. In summary, the available evidence is currently insufficient to determine the role of this variant in disease. Therefore, it has been classified as a Variant of Uncertain Significance.

NM_000059.4(BRCA2):c.1334C>G (p.Ser445Cys)

Gene: BRCA2 (BRCA2 DNA repair associated; plus strand). Cytogenetic location: 13q13.1.
Variant type: single nucleotide variant.
Coding change: c.1334C>G on transcript NM_000059.4 (MANE Select); coding-DNA position 1334, C replaced by G.
Protein change: p.Ser445Cys; replaces serine 445 with cysteine.
Molecular consequence: missense variant. On other transcripts: non-coding transcript variant (1), intron variant (1).
Genome position (GRCh38, 1-based): chr13:32,332,812, C>G. VCF-style: chr13-32332812-C-G. GRCh37 (hg19) VCF-style: chr13-32906949-C-G.
Other names: c.1334C>G, p.Ser445Cys (NM_001406719.1, NM_001406720.1, NM_001406721.1); c.424+1782C>G (NM_001406722.1); short protein forms S445C.
Identifiers: ClinVar variation 2790930 (VCV002790930.3), dbSNP rs786202373, ClinGen allele CA387762694.